The following is an entry in ClinVar:

ClinVar aggregate classification (germline): Uncertain significance (1 of 4 stars; one submission).

Conditions:
PCNT-related disorder. Also called: PCNT-related condition.

gnomAD v4.1: 32 of 1,613,254 alleles (0.002%); highest among the groups gnomAD compares: East Asian, 0.0045%; no homozygotes.

Submission:

PreventionGenetics, part of Exact Sciences
Classification: Uncertain significance for PCNT-related condition. Last evaluated: 2026-02-17. Review status: criteria provided, single submitter. Criteria: ACMG Guidelines, 2015. Collection method: clinical testing. Allele origin: germline.
Comment: The PCNT c.1406G>A variant is predicted to result in the amino acid substitution p.Arg469His. To our knowledge, this variant has not been reported in the literature. This variant is reported in 0.0080% of alleles in individuals of African descent in gnomAD. At this time, the clinical significance of this variant is uncertain due to the absence of conclusive functional and genetic evidence.

NM_006031.6(PCNT):c.1406G>A (p.Arg469His)

Gene: PCNT (pericentrin; plus strand). Cytogenetic location: 21q22.3.
Variant type: single nucleotide variant.
Coding change: c.1406G>A on transcript NM_006031.6 (MANE Select); coding-DNA position 1406, G replaced by A.
Protein change: p.Arg469His; replaces arginine 469 with histidine.
Molecular consequence: missense variant.
Genome position (GRCh38, 1-based): chr21:46,351,490, G>A. VCF-style: chr21-46351490-G-A. GRCh37 (hg19) VCF-style: chr21-47771404-G-A.
Other names: c.1052G>A, p.Arg351His (NM_001315529.2); short protein forms R469H, R351H.
Identifiers: ClinVar variation 4978517 (VCV004978517.1).